The following is an entry in ClinVar:

ClinVar aggregate classification (germline): Benign. Review status: criteria provided, multiple submitters, no conflicts (2 of 4 stars). 2 submissions from 2 submitters: Benign (2). Last evaluated 2018-06-14.

Allele frequency attached by ClinVar (database versions not stated): TOPMed 0.58486; 1000 Genomes Project 0.69509; 1000 Genomes Project 30x 0.68910; gnomAD 0.57542 and 0.57665.
gnomAD v4.1: 87,420 of 151,834 alleles (58%); highest among the groups gnomAD compares: East Asian, 99%; 26,049 homozygotes.

Submissions (2):

GeneDx
Classification: Benign. Last evaluated: 2018-06-14. Review status: criteria provided, single submitter. Criteria: GeneDx Variant Classification (06012015). Collection method: clinical testing. Allele origin: germline. Affected: yes.
Comment: This variant is considered likely benign or benign based on one or more of the following criteria: it is a conservative change, it occurs at a poorly conserved position in the protein, it is predicted to be benign by multiple in silico algorithms, and/or has population frequency not consistent with disease.

Breakthrough Genomics
Classification: Benign. Review status: criteria provided, single submitter. Criteria: ACMG Guidelines, 2015. Collection method: not provided. Allele origin: germline. Inheritance: Autosomal recessive inheritance. Affected: yes.

NM_001384140.1(PCDH15):c.4211+188C>T

Gene: PCDH15 (protocadherin related 15; minus strand). Cytogenetic location: 10q21.1.
Variant type: single nucleotide variant.
Coding change: c.4211+188C>T on transcript NM_001384140.1 (MANE Select); 188 bases into the intron after coding-DNA position 4211, C replaced by T.
Molecular consequence: intron variant.
Genome position (GRCh38, 1-based): chr10:53,828,377, G>A on the plus strand (C>T on the coding strand, the complement: PCDH15 is on the minus strand). VCF-style: chr10-53828377-G-A. GRCh37 (hg19) VCF-style: chr10-55588137-G-A.
Other names: c.4211+188C>T (NM_001354420.2, NM_001354429.2, NM_001142772.2 and 3 more transcripts); c.4226+188C>T (NM_001142771.2, NM_001142763.2); c.4232+188C>T (NM_001354411.2); c.4247+188C>T (NM_001142769.3); c.4145+188C>T (NM_001354404.2, NM_001142768.2); c.4137-829C>T (NM_001142773.2); c.4092-829C>T (NM_001142767.2); c.3998+188C>T (NM_001142765.2); and 1 more.
Identifiers: ClinVar variation 678866 (VCV000678866.2), dbSNP rs4570494, ClinGen allele CA13280264.